The following is an entry in ClinVar:

NM_001035.3(RYR2):c.6793-3C>T

Gene: RYR2 (ryanodine receptor 2; plus strand). Cytogenetic location: 1q43.
Variant type: single nucleotide variant.
Coding change: c.6793-3C>T on transcript NM_001035.3 (MANE Select); 3 bases into the intron before coding-DNA position 6793, C replaced by T.
Molecular consequence: intron variant.
Genome position (GRCh38, 1-based): chr1:237,638,354, C>T. VCF-style: chr1-237638354-C-T. GRCh37 (hg19) VCF-style: chr1-237801654-C-T.
Other names: p.?; c.6793-3C>T (LRG_402t1).
Identifiers: ClinVar variation 571757 (VCV000571757.15), dbSNP rs372314209, ClinGen allele CA087225.

ClinVar aggregate classification (germline): Conflicting classifications of pathogenicity. Review status: criteria provided, conflicting classifications (1 of 4 stars). 6 submissions from 6 submitters: Uncertain significance (3); Benign (1); Likely benign (2). Last evaluated 2026-01-28.

Conditions:
Catecholaminergic polymorphic ventricular tachycardia 1. Also called: RYR2-Related Catecholaminergic Polymorphic Ventricular Tachycardia; VENTRICULAR TACHYCARDIA, CATECHOLAMINERGIC POLYMORPHIC, 1, WITH OR WITHOUT ATRIAL DYSFUNCTION AND/OR DILATED CARDIOMYOPATHY; VENTRICULAR TACHYCARDIA, STRESS-INDUCED POLYMORPHIC 1. Identifiers: Orphanet 3286, MedGen C1631597, MONDO:0011484, OMIM 604772.
Cardiovascular phenotype. Identifiers: MedGen CN230736.
Cardiomyopathy (CMYO). Also called: Cardiomyopathies. Identifiers: Orphanet 167848, MedGen C0878544, MONDO:0004994, HP:0001638. Inheritance: Various modes of inheritance.

Allele frequency attached by ClinVar (database versions not stated): gnomAD exomes 0.00001 and 0.00005; ExAC 0.00007; ESP Exome Variant Server 0.00008; gnomAD 0.00011; TOPMed 0.00014; 1000 Genomes Project 0.00060; 1000 Genomes Project 30x 0.00078.
gnomAD v4.1: 31 of 1,613,694 alleles (0.0019%); highest among the groups gnomAD compares: African/African-American, 0.035%; no homozygotes.

Submissions (6):

Labcorp Genetics (formerly Invitae), Labcorp
Classification: Uncertain significance for Catecholaminergic polymorphic ventricular tachycardia 1. Last evaluated: 2026-01-28. Review status: criteria provided, single submitter. Criteria: Invitae Variant Classification Sherloc (09022015). Collection method: clinical testing. Allele origin: germline.
Comment: This sequence change falls in intron 44 of the RYR2 gene. It does not directly change the encoded amino acid sequence of the RYR2 protein. It affects a nucleotide within the consensus splice site. This variant is present in population databases (rs372314209, gnomAD 0.06%). This variant has not been reported in the literature in individuals affected with RYR2-related conditions. ClinVar contains an entry for this variant (Variation ID: 571757). Variants that disrupt the consensus splice site are a relatively common cause of aberrant splicing (PMID: 17576681, 9536098). Algorithms developed to predict the effect of sequence changes on RNA splicing suggest that this variant may disrupt the consensus splice site. In summary, the available evidence is currently insufficient to determine the role of this variant in disease. Therefore, it has been classified as a Variant of Uncertain Significance.

Ambry Genetics
Classification: Likely benign for Cardiovascular phenotype. Last evaluated: 2025-09-16. Review status: criteria provided, single submitter. Criteria: Ambry Variant Classification Scheme 2023. Collection method: clinical testing. Allele origin: germline.

Mayo Clinic Laboratories, Mayo Clinic
Classification: Uncertain significance. Last evaluated: 2025-06-12. Review status: criteria provided, single submitter. Criteria: ACMG Guidelines, 2015. Collection method: clinical testing. Allele origin: germline. Observed: 1 variant allele.
Comment: BS1

GeneDx
Classification: Uncertain significance. Last evaluated: 2023-04-24. Review status: criteria provided, single submitter. Criteria: GeneDx Variant Classification Process June 2021. Collection method: clinical testing. Allele origin: germline. Affected: yes.
Comment: In silico analysis is inconclusive as to whether the variant alters gene splicing. In the absence of RNA/functional studies, the actual effect of this sequence change is unknown.; Identified in a patient in a study investigating incidental findings in the RYR2 and CASQ2 genes through whole exome sequencing; detailed clinical information was not provided (Landstrom et al., 2017); This variant is associated with the following publications: (PMID: 28404607)

Women's Health and Genetics/Laboratory Corporation of America, LabCorp
Classification: Benign. Last evaluated: 2021-08-06. Review status: criteria provided, single submitter. Criteria: LabCorp Variant Classification Summary - May 2015. Collection method: clinical testing. Allele origin: germline.
Comment: Variant summary: RYR2 c.6793-3C>T alters a non-conserved nucleotide located close to a canonical splice site and therefore could affect mRNA splicing, leading to a significantly altered protein sequence. 4/4 computational tools predict no significant impact on normal splicing. However, these predictions have yet to be confirmed by functional studies. The variant allele was found at a frequency of 5.2e-05 in 249000 control chromosomes, predominantly at a frequency of 0.00084 within the African or African-American subpopulation in the gnomAD database. The observed variant frequency within African or African-American control individuals in the gnomAD database is approximately 24 fold of the estimated maximal expected allele frequency for a pathogenic variant in RYR2 causing Catecholaminergic Polymorphic Ventricular Tachycardia phenotype (3.4e-05), strongly suggesting that the variant is a benign polymorphism found primarily in populations of African or African-American origin. c.6793-3C>T has been reported in the literature as a VUS in individuals undergoing whole exome sequencing (WES) (example, Landstrom_2017). These report(s) do not provide unequivocal conclusions about association of the variant with Catecholaminergic Polymorphic Ventricular Tachycardia. To our knowledge, no experimental evidence demonstrating an impact on protein function has been reported. Two clinical diagnostic laboratories have submitted clinical-significance assessments for this variant to ClinVar after 2014 without evidence for independent evaluation. One laboratory classified the variant as likely benign, and one laboratory classified the variant as uncertain significance. Based on the evidence outlined above, the variant was classified as benign.

Color Diagnostics, LLC DBA Color Health
Classification: Likely benign for Cardiomyopathy. Last evaluated: 2018-12-03. Review status: criteria provided, single submitter. Criteria: ACMG Guidelines, 2015. Collection method: clinical testing. Allele origin: germline.

Literature cited by the submitters: PubMed 17576681 (cited by Labcorp Genetics (formerly Invitae), Labcorp); PubMed 9536098 (cited by Labcorp Genetics (formerly Invitae), Labcorp); PubMed 28404607 (cited by Mayo Clinic Laboratories, Mayo Clinic and Women's Health and Genetics/Laboratory Corporation of America, LabCorp).